The following is an entry in ClinVar:

ClinVar aggregate classification (germline): Likely benign (1 of 4 stars; one submission).

Submission:

CeGaT Center for Human Genetics Tuebingen
Classification: Likely benign. Last evaluated: 2025-09-01. Review status: criteria provided, single submitter. Criteria: CeGaT Center For Human Genetics Tuebingen Variant Classification Criteria Version 2. Collection method: clinical testing. Allele origin: germline. Affected: yes. Observed: 1 variant allele.
Comment: MTOR: PM2:Supporting, BP4, BP7

NM_004958.4(MTOR):c.2238T>C (p.Ile746=)

Gene: MTOR (mechanistic target of rapamycin kinase; minus strand). Cytogenetic location: 1p36.22.
Variant type: single nucleotide variant.
Coding change: c.2238T>C on transcript NM_004958.4 (MANE Select); coding-DNA position 2238, T replaced by C.
Protein change: p.Ile746=; no amino-acid change (isoleucine 746 retained).
Molecular consequence: synonymous variant.
Genome position (GRCh38, 1-based): chr1:11,234,236, A>G on the plus strand (T>C on the coding strand, the complement: MTOR is on the minus strand). VCF-style: chr1-11234236-A-G. GRCh37 (hg19) VCF-style: chr1-11294293-A-G.
Other names: c.2238T>C, p.Ile746= (NM_001386500.1); c.990T>C, p.Ile330= (NM_001386501.1).
Identifiers: ClinVar variation 4281342 (VCV004281342.7).
Genomic context (GRCh38, chr1:11,234,236, plus strand): 5'-TCGGGGGGCATTGGAGACCAGGTGCCCCAGCATGCGGGCACTCTGCTCTTTGATTCTTCC[A>G]ATCCCACTGTGCTCCAACTCTGTCAAAATCTGTAGGGAAGAAAGGCTCATATGTTCTCTA-3'
Protein context (NP_004949.1, residues 736-756): QILTELEHSG[Ile746=]GRIKEQSARM